The following is an entry in ClinVar:

ClinVar aggregate classification (germline): Uncertain significance (1 of 4 stars; one submission).

Conditions:
Cutis laxa, X-linked (OHS). Also called: EDS IX; Occipital horn syndrome. Identifiers: Orphanet 198, MedGen C0268353, MONDO:0010572, OMIM 304150.
X-linked distal spinal muscular atrophy type 3. Also called: ATP7A-Related Distal Motor Neuropathy; SPINAL MUSCULAR ATROPHY, DISTAL, X-LINKED RECESSIVE; NEUROPATHY, DISTAL HEREDITARY MOTOR, X-LINKED; NEURONOPATHY, DISTAL HEREDITARY MOTOR, X-LINKED. Identifiers: Orphanet 139557, MedGen C1845359, MONDO:0010338, OMIM 300489.
Menkes kinky-hair syndrome (MNK). Also called: Classic Menkes Disease; Copper transport disease; Menkes Disease. Identifiers: Orphanet 565, MedGen C0022716, MONDO:0010651, OMIM 309400.

Submission:

Labcorp Genetics (formerly Invitae), Labcorp
Classification: Uncertain significance for X-linked distal spinal muscular atrophy type 3; Cutis laxa, X-linked; Menkes kinky-hair syndrome. Last evaluated: 2021-10-08. Review status: criteria provided, single submitter. Criteria: Invitae Variant Classification Sherloc (09022015). Collection method: clinical testing. Allele origin: germline.
Comment: This variant results in a copy number gain of the genomic region encompassing exon(s) 13-23 of the ATP7A gene. This region includes the termination codon of the gene. This copy number gain extends beyond the assayed region for this gene and therefore may encompass additional genes. As the precise location of this event is unknown, it may be in tandem or it may be located elsewhere in the genome. This variant has not been reported in the literature in individuals affected with ATP7A-related conditions. Experimental studies and prediction algorithms are not available or were not evaluated, and the functional significance of this variant is currently unknown. In summary, the available evidence is currently insufficient to determine the role of this variant in disease. Therefore, it has been classified as a Variant of Uncertain Significance.

NC_000023.10:g.(?_77275721)_(77381327_?)dup

Genes: ATP7A (ATPase copper transporting alpha; plus strand), PGK1 (phosphoglycerate kinase 1; plus strand). Cytogenetic location: Xq21.1.
Variant type: Duplication.
Identifiers: ClinVar variation 1408865 (VCV001408865.4).